The following is an entry in ClinVar:

NM_019844.4(SLCO1B3):c.69C>T (p.Arg23=)

Genes: SLCO1B3 (solute carrier organic anion transporter family member 1B3; plus strand), SLCO1B3-SLCO1B7 (SLCO1B3-SLCO1B7 readthrough; plus strand). Cytogenetic location: 12p12.2.
Variant type: single nucleotide variant.
Coding change: c.69C>T on transcript NM_019844.4 (MANE Select); coding-DNA position 69, C replaced by T.
Protein change: p.Arg23=; no amino-acid change (arginine 23 retained).
Molecular consequence: synonymous variant.
Genome position (GRCh38, 1-based): chr12:20,815,807, C>T. VCF-style: chr12-20815807-C-T. GRCh37 (hg19) VCF-style: chr12-20968741-C-T.
Other names: c.69C>T, p.Arg23= (NM_001371097.1).
Identifiers: ClinVar variation 719501 (VCV000719501.11), dbSNP rs149944473, ClinGen allele CA6475039.

ClinVar aggregate classification (germline): Benign/Likely benign. Review status: criteria provided, multiple submitters, no conflicts (2 of 4 stars). 3 submissions from 3 submitters: Benign (2); Likely benign (1). Last evaluated 2024-02-21.

Conditions:
Rotor syndrome (HBLRR). Also called: HYPERBILIRUBINEMIA, ROTOR TYPE, DIGENIC; HYPERBILIRUBINEMIA, ROTOR TYPE. Identifiers: Orphanet 3111, MedGen C0220991, MONDO:0009379, OMIM 237450.

Allele frequency attached by ClinVar (database versions not stated): gnomAD 0.00438 and 0.00400; TOPMed 0.00468; ESP Exome Variant Server 0.00515; gnomAD exomes 0.00034 and 0.00103; ExAC 0.00130; 1000 Genomes Project 0.00359; 1000 Genomes Project 30x 0.00375.
gnomAD v4.1: 1,110 of 1,591,432 alleles (0.07%); highest among the groups gnomAD compares: African/African-American, 1.3%; 9 homozygotes.

Submissions (3):

ARUP Laboratories, Molecular Genetics and Genomics, ARUP Laboratories
Classification: Likely benign for Rotor syndrome. Last evaluated: 2024-02-21. Review status: criteria provided, single submitter. Criteria: ARUP Molecular Germline Variant Investigation Process 2024. Collection method: clinical testing. Allele origin: germline.

Labcorp Genetics (formerly Invitae), Labcorp
Classification: Benign. Last evaluated: 2018-04-04. Review status: criteria provided, single submitter. Criteria: Invitae Variant Classification Sherloc (09022015). Collection method: clinical testing. Allele origin: germline.

Illumina Laboratory Services, Illumina
Classification: Benign for Rotor syndrome. Last evaluated: 2018-01-13. Review status: criteria provided, single submitter. Criteria: ICSL Variant Classification Criteria 13 December 2019. Collection method: clinical testing. Allele origin: germline.
Comment: This variant was observed in the ICSL laboratory as part of a predisposition screen in an ostensibly healthy population. It had not been previously curated by ICSL or reported in the Human Gene Mutation Database (HGMD: prior to June 1st, 2018), and was therefore a candidate for classification through an automated scoring system. Utilizing variant allele frequency, disease prevalence and penetrance estimates, and inheritance mode, an automated score was calculated to assess if this variant is too frequent to cause the disease. Based on the score and internal cut-off values, a variant classified as benign is not then subjected to further curation. The score for this variant resulted in a classification of benign for this disease.